The following is an entry in ClinVar:

NM_001164508.2(NEB):c.24038del (p.Asn8013fs)

Genes: NEB (nebulin; minus strand), RIF1 (replication timing regulatory factor 1; plus strand). Cytogenetic location: 2q23.3.
Variant type: Deletion.
Coding change: c.24038del on transcript NM_001164508.2 (MANE Select); coding-DNA position 24038, one base deleted (A; older notation c.24038delA).
Protein change: p.Asn8013fs; shifts the reading frame from asparagine 8013.
Molecular consequence: frameshift variant. On other transcripts: intron variant (1).
Genome position (GRCh38, 1-based): chr2:151,499,374, T deleted on the plus strand (A on the coding strand, the reverse complement: NEB is on the minus strand); the first of 4 consecutive T bases (chr2:151,499,374-151,499,377); deleting any one gives the same sequence. VCF-style (leftmost placement, unchanged base first): chr2-151499373-GT-G. GRCh37 (hg19) VCF-style: chr2-152355887-GT-G.
Other names: c.24038del, p.Asn8013fs (NM_001164507.2); c.24143del, p.Asn8048fs (NM_001271208.2); c.18826-3006del (NM_004543.5); short protein forms N8013fs, N8048fs.
Identifiers: ClinVar variation 2113600 (VCV002113600.4), dbSNP rs2551889376, ClinGen allele CA2580064142.

ClinVar aggregate classification (germline): Pathogenic (1 of 4 stars; one submission).

Conditions:
Nemaline myopathy 2 (NEM2). Also called: Nemaline myopathy 2, autosomal recessive. Identifiers: MedGen C1850569, MONDO:0009725, OMIM 256030.

Submission:

Labcorp Genetics (formerly Invitae), Labcorp
Classification: Pathogenic for Nemaline myopathy 2. Last evaluated: 2022-03-27. Review status: criteria provided, single submitter. Criteria: Invitae Variant Classification Sherloc (09022015). Collection method: clinical testing. Allele origin: germline.
Comment: Algorithms developed to predict the effect of sequence changes on RNA splicing suggest that this variant may disrupt the consensus splice site. This variant has not been reported in the literature in individuals affected with NEB-related conditions. This variant is not present in population databases (gnomAD no frequency). This sequence change creates a premature translational stop signal (p.Asn8048Thrfs*132) in the NEB gene. It is expected to result in an absent or disrupted protein product. Loss-of-function variants in NEB are known to be pathogenic (PMID: 25205138). For these reasons, this variant has been classified as Pathogenic.

Literature cited by the submitters: PubMed 25205138.